The following is an entry in ClinVar:

ClinVar aggregate classification (germline): Likely pathogenic (1 of 4 stars; one submission).

Conditions:
Renal coloboma syndrome (PAPRS). Also called: PAPILLORENAL SYNDROME WITH MILD OCULAR ABNORMALITIES; CONGENITAL ANOMALIES OF THE KIDNEY AND URINARY TRACT WITH OR WITHOUT OCULAR ABNORMALITIES; CAKUT WITH OR WITHOUT OCULAR ABNORMALITIES; PAPILLORENAL SYNDROME; COLOBOMA OF OPTIC NERVE WITH RENAL DISEASE; OPTIC COLOBOMA, VESICOURETERAL REFLUX, AND RENAL ANOMALIES. Identifiers: Orphanet 1475, MedGen C1852759, MONDO:0007352, OMIM 120330.

Submission:

3billion
Classification: Likely pathogenic for Renal coloboma syndrome. Review status: criteria provided, single submitter. Criteria: ACMG Guidelines, 2015. Collection method: clinical testing. Allele origin: unknown. Affected: yes. Observed: 1 heterozygote.
Comment: The variant is not observed in the gnomAD v2.1.1 dataset. This stop-gained (nonsense) variant is predicted to result in a loss or disruption of normal protein function through nonsense-mediated decay (NMD) or protein truncation. Multiple pathogenic variants are reported downstream of the variant. Therefore, this variant is classified as likely pathogenic according to the recommendation of ACMG/AMP guideline.

NM_000278.5(PAX2):c.871G>T (p.Glu291Ter)

Gene: PAX2 (paired box 2; plus strand). Cytogenetic location: 10q24.31.
Variant type: single nucleotide variant.
Coding change: c.871G>T on transcript NM_000278.5 (MANE Select); coding-DNA position 871, G replaced by T.
Protein change: p.Glu291Ter; replaces glutamic acid 291 with a stop codon.
Molecular consequence: nonsense.
Genome position (GRCh38, 1-based): chr10:100,809,188, G>T. VCF-style: chr10-100809188-G-T. GRCh37 (hg19) VCF-style: chr10-102568945-G-T.
Other names: c.964G>T, p.Glu322Ter (NM_001304569.2); c.940G>T, p.Glu314Ter (NM_003987.5, NM_003990.5); c.871G>T, p.Glu291Ter (NM_003988.5, NM_003989.5); short protein forms E291*, E314*, E322*.
Identifiers: ClinVar variation 2572592 (VCV002572592.1), dbSNP rs2493164063, ClinGen allele CA378259401.
Genomic context (GRCh38, chr10:100,809,188, plus strand): 5'-CCAGCCCTGACCCCTGGGCTTGATGAAGTCAAGTCGAGTCTATCTGCATCCACCAACCCT[G>T]AGCTGGGCAGCAACGTGTCAGGCACACAGACATACCCAGTTGTGACTGGTAAGGGGGCTT-3'